The following is an entry in ClinVar:

ClinVar aggregate classification (germline): Uncertain significance (1 of 4 stars; one submission).

Conditions:
CACNA1F-related disorder. Also called: CACNA1F-related condition.

Submission:

PreventionGenetics, part of Exact Sciences
Classification: Uncertain significance for CACNA1F-related condition. Last evaluated: 2024-12-15. Review status: criteria provided, single submitter. Criteria: ACMG Guidelines, 2015. Collection method: clinical testing. Allele origin: germline.
Comment: The CACNA1F c.3369_3371dupCAT variant is predicted to result in an in-frame duplication (p.Ile1124dup). To our knowledge, this variant has not been reported in the literature or in a large population database (gnomAD), indicating this variant is rare. At this time, the clinical significance of this variant is uncertain due to the absence of conclusive functional and genetic evidence.

NM_001256789.3(CACNA1F):c.3327CAT[5] (p.Ile1113_Ala1114insIle)

Gene: CACNA1F (calcium voltage-gated channel subunit alpha1 F; minus strand). Cytogenetic location: Xp11.23.
Variant type: Microsatellite.
Coding change: c.3327CAT[5] on transcript NM_001256789.3 (MANE Select); five copies in a row of the 3-base unit CAT starting at c.3327; the reference has four copies in a row; one copy, 3 bases duplicated.
Protein change: p.Ile1113_Ala1114insIle.
Molecular consequence: inframe insertion.
Genome position (GRCh38, 1-based): chrX:49,215,442-49,215,444, ATG duplicated on the plus strand (CAT on the coding strand, the reverse complement: CACNA1F is on the minus strand); duplicating any 3 consecutive bases within chrX:49,215,442-49,215,453 gives the same sequence; the position shown is the placement nearest the transcript's 3' end. VCF-style (leftmost placement, unchanged base first): chrX-49215441-A-AATG. GRCh37 (hg19) VCF-style: chrX-49071901-A-AATG.
Other names: c.3165CAT[5], p.Ile1059_Ala1060insIle (NM_001256790.3); c.3360CAT[5], p.Ile1124_Ala1125insIle (NM_005183.4).
Identifiers: ClinVar variation 4999533 (VCV004999533.1).